The following is an entry in ClinVar:

ClinVar aggregate classification (germline): Uncertain significance (1 of 4 stars; one submission).

Conditions:
Ullrich congenital muscular dystrophy 2 (UCMD2). Identifiers: Orphanet 75840, MedGen C4225314, MONDO:0014654, OMIM 616470.
Bethlem myopathy 2 (BTHLM2). Identifiers: Orphanet 536516, Orphanet 610, MedGen C4225313, MONDO:0034022, OMIM 616471.

Allele frequency attached by ClinVar (database versions not stated): TOPMed below 0.00001; gnomAD exomes 0.00001.
gnomAD v4.1: 6 of 1,613,986 alleles (0.00037%); highest among the groups gnomAD compares: Non-Finnish European, 0.00051%; no homozygotes.

Submission:

Labcorp Genetics (formerly Invitae), Labcorp
Classification: Uncertain significance for Bethlem myopathy 2; Ullrich congenital muscular dystrophy 2. Last evaluated: 2023-10-18. Review status: criteria provided, single submitter. Criteria: Invitae Variant Classification Sherloc (09022015). Collection method: clinical testing. Allele origin: germline.
Comment: This sequence change replaces aspartic acid, which is acidic and polar, with valine, which is neutral and non-polar, at codon 1062 of the COL12A1 protein (p.Asp1062Val). This variant is not present in population databases (gnomAD no frequency). This variant has not been reported in the literature in individuals affected with COL12A1-related conditions. Advanced modeling of protein sequence and biophysical properties (such as structural, functional, and spatial information, amino acid conservation, physicochemical variation, residue mobility, and thermodynamic stability) performed at Invitae indicates that this missense variant is not expected to disrupt COL12A1 protein function. In summary, the available evidence is currently insufficient to determine the role of this variant in disease. Therefore, it has been classified as a Variant of Uncertain Significance.

NM_004370.6(COL12A1):c.3185A>T (p.Asp1062Val)

Gene: COL12A1 (collagen type XII alpha 1 chain; minus strand). Cytogenetic location: 6q13.
Variant type: single nucleotide variant.
Coding change: c.3185A>T on transcript NM_004370.6 (MANE Select); coding-DNA position 3185, A replaced by T.
Protein change: p.Asp1062Val; replaces aspartic acid 1062 with valine.
Molecular consequence: missense variant. On other transcripts: intron variant (2).
Genome position (GRCh38, 1-based): chr6:75,156,322, T>A on the plus strand (A>T on the coding strand, the complement: COL12A1 is on the minus strand). VCF-style: chr6-75156322-T-A. GRCh37 (hg19) VCF-style: chr6-75866038-T-A.
Other names: c.3185A>T, p.Asp1062Val (NM_001424113.1, NM_001424114.1); c.2912A>T, p.Asp971Val (NM_001424115.1); c.74-3840A>T (NM_001424116.1, NM_080645.3); short protein forms D1062V, D971V.
Identifiers: ClinVar variation 2929257 (VCV002929257.3), dbSNP rs1767758694, ClinGen allele CA364753646.
Genomic context (GRCh38, chr6:75,156,322, plus strand): 5'-GTTCCTGATCCTTGCCTAAGCTTTCCTTCTCCCATCTTGTAAATAGGAAGAACTGTGATG[T>A]CATATGTGGTCTGTGGCTGAAGTCGCTTTAACACTGTCGAAGTGACTGTGGGGGGCACCT-3'
Protein context (NP_004361.3, residues 1052-1072): LKRLQPQTTY[Asp1062Val]ITVLPIYKMG